The following is an entry in ClinVar:

NM_000400.4(ERCC2):c.1034G>T (p.Arg345Leu)

Gene: ERCC2 (ERCC excision repair 2, TFIIH core complex helicase subunit; minus strand). Cytogenetic location: 19q13.32.
Variant type: single nucleotide variant.
Coding change: c.1034G>T on transcript NM_000400.4 (MANE Select); coding-DNA position 1034, G replaced by T.
Protein change: p.Arg345Leu; replaces arginine 345 with leucine.
Molecular consequence: missense variant.
Genome position (GRCh38, 1-based): chr19:45,363,827, C>A on the plus strand (G>T on the coding strand, the complement: ERCC2 is on the minus strand). VCF-style: chr19-45363827-C-A. GRCh37 (hg19) VCF-style: chr19-45867085-C-A.
Other names: c.962G>T, p.Arg321Leu (NM_001130867.2); short protein forms R345L, R321L.
Identifiers: ClinVar variation 2447136 (VCV002447136.2), dbSNP rs764502577, ClinGen allele CA406372624.
Genomic context (GRCh38, chr19:45,363,827, plus strand): 5'-ACGCGCTGGGCCAGGCCGCTCAGGAAGGCGGGCGGGCTCTCCTGCACCACATGCTGCACA[C>A]GCAGCCGCCACTTCACGTACTCCAGCAGCCGCCTCAGGAAGCCCAGGAAATGCTCGGCCG-3'
Protein context (NP_000391.1, residues 335-355): RLLEYVKWRL[Arg345Leu]VQHVVQESPP

ClinVar aggregate classification (germline): Uncertain significance (1 of 4 stars; one submission).

Conditions:
Inborn genetic diseases. Identifiers: MedGen C0950123, MeSH D030342.

Submission:

Ambry Genetics
Classification: Uncertain significance for Inborn genetic diseases. Last evaluated: 2022-11-27. Review status: criteria provided, single submitter. Criteria: Ambry Variant Classification Scheme 2023. Collection method: clinical testing. Allele origin: germline.
Comment: The p.R345L variant (also known as c.1034G>T), located in coding exon 11 of the ERCC2 gene, results from a G to T substitution at nucleotide position 1034. The arginine at codon 345 is replaced by leucine, an amino acid with dissimilar properties. This amino acid position is conserved. In addition, this alteration is predicted to be deleterious by in silico analysis. Since supporting evidence is limited at this time, the clinical significance of this alteration remains unclear.